The following is an entry in ClinVar:

ClinVar aggregate classification (germline): Conflicting classifications of pathogenicity. Review status: criteria provided, conflicting classifications (1 of 4 stars). 6 submissions from 6 submitters: Uncertain significance (3); Likely benign (2). 1 of the submissions does not count toward it. Last evaluated 2025-10-26.

Conditions:
Hereditary cancer-predisposing syndrome. Also called: Hereditary Cancer Syndrome; Neoplastic Syndromes, Hereditary; Hereditary neoplastic syndrome; Tumor predisposition. Identifiers: Orphanet 140162, MedGen C0027672, MeSH D009386, MONDO:0015356.
Hereditary breast ovarian cancer syndrome. Also called: Hereditary breast and ovarian cancer syndrome (HBOC); Breast and ovarian cancer; Hereditary breast and ovarian cancer syndrome; Hereditary breast and ovarian cancer; BRCA1- and BRCA2-Associated Hereditary Breast and Ovarian Cancer; Hereditary breast and/or ovarian cancer syndrome. Identifiers: Orphanet 145, MedGen C0677776, MeSH D061325, MONDO:0003582. Disease mechanism: loss of function.
Breast-ovarian cancer, familial, susceptibility to, 1 (BROVCA1). Also called: BRCA1 Hereditary Breast and Ovarian Cancer; OVARIAN CANCER, SUSCEPTIBILITY TO. Identifiers: Orphanet 145, MedGen C2676676, MONDO:0011450, OMIM 604370. Disease mechanism: loss of function.

Allele frequency attached by ClinVar (database versions not stated): gnomAD exomes below 0.00001; gnomAD 0.00001.
gnomAD v4.1: 2 of 1,614,086 alleles (0.00012%); highest among the groups gnomAD compares: Admixed American, 0.0017%; no homozygotes.

Submissions (6):

Ambry Genetics
Classification: Uncertain significance for Hereditary cancer-predisposing syndrome. Last evaluated: 2025-10-26. Review status: criteria provided, single submitter. Criteria: Ambry Variant Classification Scheme 2023. Collection method: clinical testing. Allele origin: germline.
Comment: The p.K309E variant (also known as c.925A>G), located in coding exon 9 of the BRCA1 gene, results from an A to G substitution at nucleotide position 925. The lysine at codon 309 is replaced by glutamic acid, an amino acid with similar properties. This amino acid position is well conserved in available vertebrate species. In addition, this alteration is predicted to be deleterious by in silico analysis. Since supporting evidence is limited at this time, the clinical significance of this alteration remains unclear.

Myriad Genetics, Inc.
Classification: Likely benign for Breast-ovarian cancer, familial, susceptibility to, 1. Last evaluated: 2025-09-02. Review status: criteria provided, single submitter. Criteria: Myriad Autosomal Dominant, Autosomal Recessive and X-Linked Classification Criteria (2023). Collection method: clinical testing. Allele origin: unknown.
Comment: This variant is considered likely benign. This variant is strongly associated with less severe personal and family histories of cancer, typical for individuals without pathogenic variants in this gene [PMID: 25085752].

Women's Health and Genetics/Laboratory Corporation of America, LabCorp
Classification: Uncertain significance. Last evaluated: 2025-07-09. Review status: criteria provided, single submitter. Criteria: LabCorp Variant Classification Summary - May 2015. Collection method: clinical testing. Allele origin: germline.

Labcorp Genetics (formerly Invitae), Labcorp
Classification: Uncertain significance for Hereditary breast ovarian cancer syndrome. Last evaluated: 2025-06-03. Review status: criteria provided, single submitter. Criteria: Invitae Variant Classification Sherloc (09022015). Collection method: clinical testing. Allele origin: germline.
Comment: This sequence change replaces lysine, which is basic and polar, with glutamic acid, which is acidic and polar, at codon 309 of the BRCA1 protein (p.Lys309Glu). This variant is present in population databases (no rsID available, gnomAD 0.01%). This variant has not been reported in the literature in individuals affected with BRCA1-related conditions. ClinVar contains an entry for this variant (Variation ID: 252893). An algorithm developed to predict the effect of missense changes on protein structure and function outputs the following: PolyPhen-2: "Possibly Damaging". The glutamic acid amino acid residue is found in multiple mammalian species, which suggests that this missense change does not adversely affect protein function. In summary, the available evidence is currently insufficient to determine the role of this variant in disease. Therefore, it has been classified as a Variant of Uncertain Significance.

University of Washington Department of Laboratory Medicine, University of Washington
Classification: Likely benign for Hereditary cancer-predisposing syndrome. Last evaluated: 2023-03-23. Review status: criteria provided, single submitter. Criteria: Dines et al. (Genet Med. 2020). Collection method: curation. Allele origin: germline.
Comment: Missense variant in a coldspot region where missense variants are very unlikely to be pathogenic (PMID:31911673).

BRCA1 coldspot (exon 11 using historical exon numbering). Reclassification based on statistical prior probability

Sharing Clinical Reports Project (SCRP)
Classification: Uncertain significance for Breast-ovarian cancer, familial 1. Last evaluated: 2010-10-06. Review status: no assertion criteria provided. Collection method: clinical testing. Allele origin: germline. Not counted in ClinVar's aggregate classification.

Literature cited by the submitters: PubMed 25085752 (cited by Myriad Genetics, Inc.).

NM_007294.4(BRCA1):c.925A>G (p.Lys309Glu)

Gene: BRCA1 (BRCA1 DNA repair associated; minus strand). Cytogenetic location: 17q21.31.
Variant type: single nucleotide variant.
Coding change: c.925A>G on transcript NM_007294.4 (MANE Select); coding-DNA position 925, A replaced by G.
Protein change: p.Lys309Glu; replaces lysine 309 with glutamic acid.
Molecular consequence: missense variant. On other transcripts: intron variant (137).
Genome position (GRCh38, 1-based): chr17:43,094,606, T>C on the plus strand (A>G on the coding strand, the complement: BRCA1 is on the minus strand). VCF-style: chr17-43094606-T-C. GRCh37 (hg19) VCF-style: chr17-41246623-T-C.
Other names: 1044A>G; c.712A>G, p.Lys238Glu (NM_001407571.1, NM_001407915.1, NM_001407853.1 and 9 more transcripts); c.925A>G, p.Lys309Glu (NM_001407581.1, NM_001407582.1, NM_001407583.1 and 30 more transcripts); c.922A>G, p.Lys308Glu (NM_001407587.1, NM_001407590.1, NM_001407591.1 and 22 more transcripts); c.799A>G, p.Lys267Glu (NM_001407649.1, NM_001407670.1, NM_001407671.1 and 11 more transcripts); c.847A>G, p.Lys283Glu (NM_001407653.1, NM_001407654.1, NM_001407655.1 and 4 more transcripts); c.844A>G, p.Lys282Glu (NM_001407659.1, NM_001407660.1, NM_001407661.1 and 1 more transcripts); c.802A>G, p.Lys268Glu (NM_001407674.1, NM_001407675.1, NM_001407676.1 and 19 more transcripts); and 41 more; short protein forms K309E, K262E, K13E, K182E, K197E, K241E, K268E, K282E.
Identifiers: ClinVar variation 252893 (VCV000252893.15), dbSNP rs879255498, ClinGen allele CA10586121.